The following is an entry in ClinVar:

ClinVar aggregate classification (germline): Pathogenic. Review status: criteria provided, multiple submitters, no conflicts (2 of 4 stars). 2 submissions from 2 submitters: Pathogenic (2). Last evaluated 2024-02-14.

Conditions:
Hereditary cancer-predisposing syndrome. Also called: Tumor predisposition; Hereditary Cancer Syndrome; Neoplastic Syndromes, Hereditary; Hereditary neoplastic syndrome. Identifiers: Orphanet 140162, MedGen C0027672, MeSH D009386, MONDO:0015356.
Familial cancer of breast. Also called: Hereditary breast cancer; BREAST CANCER, FAMILIAL; hereditary breast carcinoma. Identifiers: Orphanet 227535, MedGen C0346153, MONDO:0016419, OMIM 114480. Disease mechanism: loss of function.

Submissions (2):

Ambry Genetics
Classification: Pathogenic for Hereditary cancer-predisposing syndrome. Last evaluated: 2024-02-14. Review status: criteria provided, single submitter. Criteria: Ambry Variant Classification Scheme 2023. Collection method: clinical testing. Allele origin: germline.
Comment: The c.27delTinsCC pathogenic mutation, located in coding exon 1 of the ATM gene, results from the deletion of one nucleotide and insertion of two nucleotides causing a translational frameshift with a predicted alternate stop codon (p.I10Hfs*9). This alteration is expected to result in loss of function by premature protein truncation or nonsense-mediated mRNA decay. As such, this alteration is interpreted as a disease-causing mutation.

Myriad Genetics, Inc.
Classification: Pathogenic for Familial cancer of breast. Last evaluated: 2024-01-05. Review status: criteria provided, single submitter. Criteria: Myriad Autosomal Dominant, Autosomal Recessive and X-Linked Classification Criteria (2023). Collection method: clinical testing. Allele origin: unknown.
Comment: This variant is considered pathogenic. This variant creates a frameshift predicted to result in premature protein truncation.

NM_000051.4(ATM):c.27delinsCC (p.Ile10fs)

Gene: ATM (ATM serine/threonine kinase; plus strand). Cytogenetic location: 11q22.3.
Variant type: Indel.
Coding change: c.27delinsCC on transcript NM_000051.4 (MANE Select); coding-DNA position 27, T replaced by CC.
Protein change: p.Ile10fs; shifts the reading frame from isoleucine 10.
Molecular consequence: frameshift variant.
Genome position (GRCh38, 1-based): chr11:108,227,651, T replaced by CC. VCF-style: chr11-108227651-T-CC. GRCh37 (hg19) VCF-style: chr11-108098378-T-CC.
Other names: c.27delinsCC, p.Ile10fs (NM_001351834.2, NM_001351835.2, NM_001351836.2); short protein forms I10fs.
Identifiers: ClinVar variation 1796180 (VCV001796180.2), dbSNP rs2496888313, ClinGen allele CA2580082974.